The following is an entry in ClinVar:

NM_000277.3(PAH):c.975C>G (p.Tyr325Ter)

Gene: PAH (phenylalanine hydroxylase; minus strand). Cytogenetic location: 12q23.2.
Variant type: single nucleotide variant.
Coding change: c.975C>G on transcript NM_000277.3 (MANE Select); coding-DNA position 975, C replaced by G.
Protein change: p.Tyr325Ter; replaces tyrosine 325 with a stop codon.
Molecular consequence: nonsense.
Genome position (GRCh38, 1-based): chr12:102,844,426, G>C on the plus strand (C>G on the coding strand, the complement: PAH is on the minus strand). VCF-style: chr12-102844426-G-C. GRCh37 (hg19) VCF-style: chr12-103238204-G-C.
Other names: c.975C>G, p.Tyr325Ter (NM_001354304.2); short protein forms Y325*.
Identifiers: ClinVar variation 102921 (VCV000102921.17), dbSNP rs62508573, ClinGen allele CA229885.

ClinVar aggregate classification (germline): Pathogenic. Review status: reviewed by expert panel (3 of 4 stars). 7 submissions from 7 submitters: Pathogenic (1). 6 of the submissions do not count toward it. Last evaluated 2020-04-13.

Conditions:
Phenylketonuria (PKU). Also called: Phenylketonurias; OLIGOPHRENIA PHENYLPYRUVICA; FOLLING DISEASE; Phenylketonuria (PKU). Identifiers: Orphanet 716, MedGen C0031485, MONDO:0009861, OMIM 261600. Disease mechanism: loss of function.

Allele frequency attached by ClinVar (database versions not stated): gnomAD exomes below 0.00001.
gnomAD v4.1: 1 of 1,610,216 alleles (0.000062%); highest among the groups gnomAD compares: East Asian, 0.0022%; no homozygotes.

Submissions (7):

ClinGen PAH Variant Curation Expert Panel
Classification: Pathogenic for Phenylketonuria. Last evaluated: 2020-04-13. Review status: reviewed by expert panel. Criteria: ClinGen PAH ACMG Specifications v1. Collection method: curation. Allele origin: germline. Inheritance: Autosomal recessive inheritance.
Comment: The c.975C>G (p.Tyr325Ter) is a variant in PAH is a null variant (nonsense variant) in a gene where LOF is a known mechanism of disease, leading to premature truncation and NMD (PVS1). It is present at extremely low frequencies in ethnically diverse control databases (gnomAD AF 0.00000399; PAH PM2 cutoff: <0.0002) (PM2). It has been identified in at least 13 PKU probands, at least 5 of whom BH4 deficiency was formally excluded (PP4_Moderate), including in trans with pathogenic or likely pathogenic variants in 9 cases, in trans with VUS in two cases, and homozygous in two cases (PM3_VeryStrong). BH4 deficiency was excluded by urinary pterin analysis and DPHR assay. It was also found in another four patients with PKU, BH4 deficiency was excluded by urinary pterin analysis and DPHR assay (PMID: 15503242): one in trans with the known pathogenic (per PAH VCEP and in Clinvar) p.R413P variant (patient's PKU phenotype not specified); one with classic PKU in trans with the known pathogenic (per PAH VCEP) p.V388M variant; one with mild hyperphenylalanemia in trans with the ClinVar pathogenic p.Y204C variant; and one in trans with the known pathogenic (per PAH VCEP) p. R243Q variant (PKU phenotype not specified). It has also been found in 9 Chinese PKU cases (PMID: 26503515; PMID: 30050108), BH4 deficiency does not appear to have been ruled out: 2 homozygotes (classic PKU); one classic PKU case in trans with p.EX6-96A>G variant (pathogenic per PAH VCEP); one classic PKU case in trans with c.843-14_-11delCTTT (no PAH VCEP classification); It is also listed Pathogenic in ClinVar by two labs (variant ID 102921). Classification: Pathogenic Supporting Criteria: PVS1, PM2; PM3_VeryStrong; PP4_Moderate

3billion
Classification: Pathogenic for Phenylketonuria. Last evaluated: 2025-08-06. Review status: criteria provided, single submitter. Criteria: ACMG Guidelines, 2015. Collection method: clinical testing. Allele origin: germline. Affected: yes. Not counted in ClinVar's aggregate classification.
Comment: The variant is observed at an extremely low frequency in the gnomAD v4.1.0 dataset (total allele frequency: <0.001%). Predicted Consequence/Location: Stop-gained (nonsense): predicted to result in a loss or disruption of normal protein function through nonsense-mediated decay (NMD) or protein truncation. Multiple pathogenic variants are reported downstream of the variant. In silico tools predict the variant to alter splicing and produce an abnormal transcript [SpliceAI: 0.33 (spliceogenicity >=0.2, non-spliceogenicity <0.1)]. The variant has been reported to be in trans with a pathogenic variant as either compound heterozygous or homozygous in at least 4 similarly affected unrelated individuals (PMID: 15503242, 23430918, 26503515, 30050108, 9452061). The variant has been reported multiple times as an established pathogenic variant (ClinVar ID: VCV000102921 /PMID: 9452061 /3billion dataset). Therefore, this variant is classified as Pathogenic according to the recommendation of ACMG/AMP guideline.

Baylor Genetics
Classification: Pathogenic for Phenylketonuria. Last evaluated: 2024-01-30. Review status: criteria provided, single submitter. Criteria: ACMG Guidelines, 2015. Collection method: clinical testing. Allele origin: unknown. Not counted in ClinVar's aggregate classification.

Labcorp Genetics (formerly Invitae), Labcorp
Classification: Pathogenic for Phenylketonuria. Last evaluated: 2023-07-25. Review status: criteria provided, single submitter. Criteria: Invitae Variant Classification Sherloc (09022015). Collection method: clinical testing. Allele origin: germline. Not counted in ClinVar's aggregate classification.
Comment: For these reasons, this variant has been classified as Pathogenic. Algorithms developed to predict the effect of sequence changes on RNA splicing suggest that this variant may disrupt the consensus splice site. ClinVar contains an entry for this variant (Variation ID: 102921). This premature translational stop signal has been observed in individual(s) with phenylketonuria (PMID: 9452061, 26503515). This variant is present in population databases (rs62508573, gnomAD 0.006%). This sequence change creates a premature translational stop signal (p.Tyr325*) in the PAH gene. It is expected to result in an absent or disrupted protein product. Loss-of-function variants in PAH are known to be pathogenic (PMID: 1301187, 9634518).

Juno Genomics, Hangzhou Juno Genomics, Inc
Classification: Pathogenic for Phenylketonuria. Review status: criteria provided, single submitter. Criteria: ACMG Guidelines, 2015. Collection method: clinical testing. Allele origin: germline. Not counted in ClinVar's aggregate classification.
Comment: Null variant in a gene where loss of function (LOF) is a known mechanism of disease.;Absent from controls (or at extremely low frequency if recessive) in Genome Aggregation Database.;For recessive disorders, detected in trans with a pathogenic variant.

Counsyl
Classification: Pathogenic for Phenylketonuria. Last evaluated: 2016-05-13. Review status: no assertion criteria provided. Collection method: clinical testing. Allele origin: unknown. Not counted in ClinVar's aggregate classification.

DeBelle Laboratory for Biochemical Genetics, MUHC/MCH RESEARCH INSTITUTE
No classification provided. Review status: no classification provided. Collection method: not provided. Allele origin: not provided. Not counted in ClinVar's aggregate classification.

Literature cited by the submitters: PubMed 18985011 (cited by ClinGen PAH Variant Curation Expert Panel); PubMed 26503515 (cited by 3billion and Labcorp Genetics (formerly Invitae), Labcorp); PubMed 23430918 (cited by 3billion and Counsyl); PubMed 9452061 (cited by 3 submitters); PubMed 30050108 (cited by 3billion); PubMed 15503242 (cited by 3billion and Counsyl); PubMed 1301187 (cited by Labcorp Genetics (formerly Invitae), Labcorp); PubMed 9634518 (cited by Labcorp Genetics (formerly Invitae), Labcorp); PubMed 25525159 (cited by Counsyl).